The following is an entry in ClinVar:

NM_020117.11(LARS1):c.1999C>A (p.Pro667Thr)

Gene: LARS1 (leucyl-tRNA synthetase 1; minus strand). Cytogenetic location: 5q32.
Variant type: single nucleotide variant.
Coding change: c.1999C>A on transcript NM_020117.11 (MANE Select); coding-DNA position 1999, C replaced by A.
Protein change: p.Pro667Thr; replaces proline 667 with threonine.
Molecular consequence: missense variant.
Genome position (GRCh38, 1-based): chr5:146,142,963, G>T on the plus strand (C>A on the coding strand, the complement: LARS1 is on the minus strand). VCF-style: chr5-146142963-G-T. GRCh37 (hg19) VCF-style: chr5-145522526-G-T.
Other names: c.1861C>A, p.Pro621Thr (NM_001317964.2); c.1837C>A, p.Pro613Thr (NM_001317965.2); c.1918C>A, p.Pro640Thr (NM_016460.4); short protein forms P613T, P621T, P640T, P667T.
Identifiers: ClinVar variation 2879428 (VCV002879428.3), dbSNP rs2532846332, ClinGen allele CA361608278.
Genomic context (GRCh38, chr5:146,142,963, plus strand): 5'-AAAGGTAATATGAAAGATGATTTGGAACAAGATCCTTGCCAGAGACGCGAAGATCAACAG[G>T]ATACCAGAATTCAAACTCCTGCTTTAACTGATCTAATTTTTCCTTTGCAATCTGAGTCTT-3'
Protein context (NP_064502.9, residues 657-677): QLKQEFEFWY[Pro667Thr]VDLRVSGKDL

ClinVar aggregate classification (germline): Uncertain significance (1 of 4 stars; one submission).

Submission:

Labcorp Genetics (formerly Invitae), Labcorp
Classification: Uncertain significance. Last evaluated: 2023-08-11. Review status: criteria provided, single submitter. Criteria: Invitae Variant Classification Sherloc (09022015). Collection method: clinical testing. Allele origin: germline.
Comment: In summary, the available evidence is currently insufficient to determine the role of this variant in disease. Therefore, it has been classified as a Variant of Uncertain Significance. Advanced modeling of protein sequence and biophysical properties (such as structural, functional, and spatial information, amino acid conservation, physicochemical variation, residue mobility, and thermodynamic stability) performed at Invitae indicates that this missense variant is expected to disrupt LARS protein function. This variant has not been reported in the literature in individuals affected with LARS-related conditions. This variant is not present in population databases (gnomAD no frequency). This sequence change replaces proline, which is neutral and non-polar, with threonine, which is neutral and polar, at codon 667 of the LARS protein (p.Pro667Thr).